The following is an entry in ClinVar:

ClinVar aggregate classification (germline): Uncertain significance. Review status: criteria provided, multiple submitters, no conflicts (2 of 4 stars). 2 submissions from 2 submitters: Uncertain significance (2). Last evaluated 2025-10-15.

Conditions:
Inborn genetic diseases. Identifiers: MedGen C0950123, MeSH D030342.

Allele frequency attached by ClinVar (database versions not stated): gnomAD 0.00004; ExAC 0.00005; TOPMed 0.00005; ESP Exome Variant Server 0.00008; 1000 Genomes Project 30x 0.00016; 1000 Genomes Project 0.00020.
gnomAD v4.1: 28 of 1,608,938 alleles (0.0017%); highest among the groups gnomAD compares: Admixed American, 0.0033%; no homozygotes.

Submissions (2):

Labcorp Genetics (formerly Invitae), Labcorp
Classification: Uncertain significance. Last evaluated: 2025-10-15. Review status: criteria provided, single submitter. Criteria: Invitae Variant Classification Sherloc (09022015). Collection method: clinical testing. Allele origin: germline.
Comment: This sequence change replaces glutamic acid, which is acidic and polar, with aspartic acid, which is acidic and polar, at codon 47 of the LYN protein (p.Glu47Asp). This variant is present in population databases (rs145665634, gnomAD 0.006%). This variant has not been reported in the literature in individuals affected with LYN-related conditions. ClinVar contains an entry for this variant (Variation ID: 1366165). An algorithm developed to predict the effect of missense changes on protein structure and function outputs the following: PolyPhen-2: "Benign". The aspartic acid amino acid residue is found in multiple mammalian species, which suggests that this missense change does not adversely affect protein function. In summary, the available evidence is currently insufficient to determine the role of this variant in disease. Therefore, it has been classified as a Variant of Uncertain Significance.

Ambry Genetics
Classification: Uncertain significance for Inborn genetic diseases. Last evaluated: 2025-03-31. Review status: criteria provided, single submitter. Criteria: Ambry Variant Classification Scheme 2023. Collection method: clinical testing. Allele origin: germline.

NM_002350.4(LYN):c.141A>C (p.Glu47Asp)

Gene: LYN (LYN proto-oncogene, Src family tyrosine kinase; plus strand). Cytogenetic location: 8q12.1.
Variant type: single nucleotide variant.
Coding change: c.141A>C on transcript NM_002350.4 (MANE Select); coding-DNA position 141, A replaced by C.
Protein change: p.Glu47Asp; replaces glutamic acid 47 with aspartic acid.
Molecular consequence: missense variant.
Genome position (GRCh38, 1-based): chr8:55,946,456, A>C. VCF-style: chr8-55946456-A-C. GRCh37 (hg19) VCF-style: chr8-56859015-A-C.
Other names: c.78A>C, p.Glu26Asp (NM_001111097.3); c.141A>C (NM_002350.3); short protein forms E47D, E26D.
Identifiers: ClinVar variation 1366165 (VCV001366165.10), dbSNP rs145665634, ClinGen allele CA4753923.